The following is an entry in ClinVar:

NM_001170629.2(CHD8):c.5127G>C (p.Glu1709Asp)

Gene: CHD8 (chromodomain helicase DNA binding protein 8; minus strand). Cytogenetic location: 14q11.2.
Variant type: single nucleotide variant.
Coding change: c.5127G>C on transcript NM_001170629.2 (MANE Select); coding-DNA position 5127, G replaced by C.
Protein change: p.Glu1709Asp; replaces glutamic acid 1709 with aspartic acid.
Molecular consequence: missense variant.
Genome position (GRCh38, 1-based): chr14:21,395,817, C>G on the plus strand (G>C on the coding strand, the complement: CHD8 is on the minus strand). VCF-style: chr14-21395817-C-G. GRCh37 (hg19) VCF-style: chr14-21863976-C-G.
Other names: c.4290G>C, p.Glu1430Asp (NM_020920.4); short protein forms E1430D, E1709D.
Identifiers: ClinVar variation 1945550 (VCV001945550.5), dbSNP rs749031417, ClinGen allele CA388884724.
Genomic context (GRCh38, chr14:21,395,817, plus strand): 5'-TTGAAGACTTAAAACTATTTAGTAATAGAGAAAAGTGAGACTCAAATGAGAATTCCTTAC[C>G]TCATCATCTTGGTCCTTTGGGGGACCTTGGAGTGGTTTATATTCAGGATCTTCACAATCT-3'
Protein context (NP_001164100.1, residues 1699-1719): LQGPPKDQDD[Glu1709Asp]GDPLMMMDEE

ClinVar aggregate classification (germline): Uncertain significance (1 of 4 stars; one submission).

Allele frequency attached by ClinVar (database versions not stated): TOPMed below 0.00001.
gnomAD v4.1: 6 of 1,584,818 alleles (0.00038%); highest among the groups gnomAD compares: Admixed American, 0.0051%; no homozygotes.

Submission:

Labcorp Genetics (formerly Invitae), Labcorp
Classification: Uncertain significance. Last evaluated: 2025-08-03. Review status: criteria provided, single submitter. Criteria: Invitae Variant Classification Sherloc (09022015). Collection method: clinical testing. Allele origin: germline.
Comment: This sequence change replaces glutamic acid, which is acidic and polar, with aspartic acid, which is acidic and polar, at codon 1709 of the CHD8 protein (p.Glu1709Asp). This variant also falls at the last nucleotide of exon 27, which is part of the consensus splice site for this exon. This variant is present in population databases (no rsID available, gnomAD 0.006%). This variant has not been reported in the literature in individuals affected with CHD8-related conditions. ClinVar contains an entry for this variant (Variation ID: 1945550). Invitae Evidence Modeling of protein sequence and biophysical properties (such as structural, functional, and spatial information, amino acid conservation, physicochemical variation, residue mobility, and thermodynamic stability) indicates that this missense variant is not expected to disrupt CHD8 protein function with a negative predictive value of 95%. Variants that disrupt the consensus splice site are a relatively common cause of aberrant splicing (PMID: 17576681, 9536098). In summary, the available evidence is currently insufficient to determine the role of this variant in disease. Therefore, it has been classified as a Variant of Uncertain Significance.

Literature cited by the submitters: PubMed 17576681; PubMed 9536098.